The following is an entry in ClinVar:

NM_001723.7(DST):c.7876C>T (p.His2626Tyr)

Gene: DST (dystonin; minus strand). Cytogenetic location: 6p12.1.
Variant type: single nucleotide variant.
Coding change: c.7876C>T on transcript NM_001723.7 (MANE Plus Clinical); coding-DNA position 7876, C replaced by T.
Protein change: p.His2626Tyr; replaces histidine 2626 with tyrosine.
Molecular consequence: missense variant. On other transcripts: intron variant (10).
Genome position (GRCh38, 1-based): chr6:56,615,591, G>A on the plus strand (C>T on the coding strand, the complement: DST is on the minus strand). VCF-style: chr6-56615591-G-A. GRCh37 (hg19) VCF-style: chr6-56480389-G-A.
Other names: c.4831-1107C>T (NM_001144769.5); c.4930-1107C>T (NM_001374722.1, NM_001374736.1); c.4957-1107C>T (NM_001374734.1); c.4417-1107C>T (NM_001144770.2); c.4297-1107C>T (NM_001374730.1, NM_001386100.1, NM_183380.4 and 1 more transcripts); c.3319-1107C>T (NM_015548.5); short protein forms H2626Y.
Identifiers: ClinVar variation 1391415 (VCV001391415.6), dbSNP rs141066017, ClinGen allele CA364562045.

ClinVar aggregate classification (germline): Uncertain significance (1 of 4 stars; one submission).

Conditions:
Epidermolysis bullosa simplex 3, localized or generalized intermediate, with BP230 deficiency (EBS3). Also called: Epidermolysis bullosa simplex, autosomal recessive 2; Epidermolysis bullosa simplex due to BP230 deficiency. Identifiers: Orphanet 412181, MedGen C3809470, MONDO:0014180, OMIM 615425.
Hereditary sensory and autonomic neuropathy type 6. Also called: HSAN VI; Neuropathy, hereditary sensory and autonomic, type VI. Identifiers: Orphanet 314381, MedGen C3539003, MONDO:0013839, OMIM 614653.

gnomAD v4.1: 2 of 1,614,060 alleles (0.00012%); highest among the groups gnomAD compares: Non-Finnish European, 0.00017%; no homozygotes.

Submission:

Labcorp Genetics (formerly Invitae), Labcorp
Classification: Uncertain significance for Epidermolysis bullosa simplex 3, localized or generalized intermediate, with BP230 deficiency; Hereditary sensory and autonomic neuropathy type 6. Last evaluated: 2021-11-05. Review status: criteria provided, single submitter. Criteria: Invitae Variant Classification Sherloc (09022015). Collection method: clinical testing. Allele origin: germline.
Comment: This variant has not been reported in the literature in individuals affected with DST-related conditions. This sequence change replaces histidine, which is basic and polar, with tyrosine, which is neutral and polar, at codon 2626 of the DST protein (p.His2626Tyr). This variant is not present in population databases (gnomAD no frequency). Algorithms developed to predict the effect of missense changes on protein structure and function (SIFT, PolyPhen-2, Align-GVGD) all suggest that this variant is likely to be tolerated. In summary, the available evidence is currently insufficient to determine the role of this variant in disease. Therefore, it has been classified as a Variant of Uncertain Significance.